The following is an entry in ClinVar:

ClinVar aggregate classification (germline): Uncertain significance (1 of 4 stars; one submission).

Submission:

GeneDx
Classification: Uncertain significance. Last evaluated: 2022-11-12. Review status: criteria provided, single submitter. Criteria: GeneDx Variant Classification Process June 2021. Collection method: clinical testing. Allele origin: germline. Affected: yes.
Comment: Not observed at significant frequency in large population cohorts (gnomAD); In silico analysis supports that this missense variant does not alter protein structure/function; Has not been previously published as pathogenic or benign to our knowledge

NM_021224.6(ZNF462):c.2980G>T (p.Val994Leu)

Gene: ZNF462 (zinc finger protein 462; plus strand). Cytogenetic location: 9q31.2.
Variant type: single nucleotide variant.
Coding change: c.2980G>T on transcript NM_021224.6 (MANE Select); coding-DNA position 2980, G replaced by T.
Protein change: p.Val994Leu; replaces valine 994 with leucine.
Molecular consequence: missense variant.
Genome position (GRCh38, 1-based): chr9:106,926,892, G>T. VCF-style: chr9-106926892-G-T. GRCh37 (hg19) VCF-style: chr9-109689173-G-T.
Other names: c.2980G>T, p.Val994Leu (NM_001347997.2); short protein forms V994L.
Identifiers: ClinVar variation 2501830 (VCV002501830.1), dbSNP rs2538765282, ClinGen allele CA374397921.